The following is an entry in ClinVar:

ClinVar aggregate classification (germline): Benign/Likely benign. Review status: criteria provided, multiple submitters, no conflicts (2 of 4 stars). 3 submissions from 3 submitters: Benign (2); Likely benign (1). Last evaluated 2023-01-01.

Allele frequency attached by ClinVar (database versions not stated): gnomAD exomes 0.00109 and 0.00184; 1000 Genomes Project 30x 0.00141; 1000 Genomes Project 0.00160; ExAC 0.00178; ESP Exome Variant Server 0.00200; gnomAD 0.00231 and 0.00232; TOPMed 0.00236.
gnomAD v4.1: 1,999 of 1,614,018 alleles (0.12%); highest among the groups gnomAD compares: Middle Eastern, 0.97%; 9 homozygotes.

Submissions (3):

CeGaT Center for Human Genetics Tuebingen
Classification: Likely benign. Last evaluated: 2023-01-01. Review status: criteria provided, single submitter. Criteria: CeGaT Center For Human Genetics Tuebingen Variant Classification Criteria Version 2. Collection method: clinical testing. Allele origin: germline. Affected: yes. Observed: 1 variant allele.
Comment: ICE1: BP4, BP7, BS2

Labcorp Genetics (formerly Invitae), Labcorp
Classification: Benign. Last evaluated: 2019-12-31. Review status: criteria provided, single submitter. Criteria: Invitae Variant Classification Sherloc (09022015). Collection method: clinical testing. Allele origin: germline.

Breakthrough Genomics
Classification: Benign. Review status: criteria provided, single submitter. Criteria: ACMG Guidelines, 2015. Collection method: not provided. Allele origin: germline. Inheritance: Unknown mechanism. Affected: yes.

NM_015325.3(ICE1):c.2106C>T (p.Ser702=)

Gene: ICE1 (interactor of little elongation complex ELL subunit 1; plus strand). Cytogenetic location: 5p15.32.
Variant type: single nucleotide variant.
Coding change: c.2106C>T on transcript NM_015325.3 (MANE Select); coding-DNA position 2106, C replaced by T.
Protein change: p.Ser702=; no amino-acid change (serine 702 retained).
Molecular consequence: synonymous variant.
Genome position (GRCh38, 1-based): chr5:5,461,440, C>T. VCF-style: chr5-5461440-C-T. GRCh37 (hg19) VCF-style: chr5-5461553-C-T.
Identifiers: ClinVar variation 773713 (VCV000773713.29), dbSNP rs150379834, ClinGen allele CA3190906.